The following is an entry in ClinVar:

NM_001017995.3(SH3PXD2B):c.1333A>G (p.Thr445Ala)

Gene: SH3PXD2B (SH3 and PX domains 2B; minus strand). Cytogenetic location: 5q35.1.
Variant type: single nucleotide variant.
Coding change: c.1333A>G on transcript NM_001017995.3 (MANE Select); coding-DNA position 1333, A replaced by G.
Protein change: p.Thr445Ala; replaces threonine 445 with alanine.
Molecular consequence: missense variant. On other transcripts: intron variant (1).
Genome position (GRCh38, 1-based): chr5:172,339,772, T>C on the plus strand (A>G on the coding strand, the complement: SH3PXD2B is on the minus strand). VCF-style: chr5-172339772-T-C. GRCh37 (hg19) VCF-style: chr5-171766776-T-C.
Other names: c.1188+6364A>G (NM_001308175.2); short protein forms T445A.
Identifiers: ClinVar variation 792021 (VCV000792021.18), dbSNP rs146081598, ClinGen allele CA3561213.

ClinVar aggregate classification (germline): Benign/Likely benign. Review status: criteria provided, multiple submitters, no conflicts (2 of 4 stars). 5 submissions from 5 submitters: Benign (2); Likely benign (3). Last evaluated 2026-01-26.

Conditions:
Inborn genetic diseases. Identifiers: MedGen C0950123, MeSH D030342.
Frank-Ter Haar syndrome. Also called: Borrone di Rocco Crovato syndrome; MELNICK-NEEDLES SYNDROME, AUTOSOMAL RECESSIVE; TER HAAR SYNDROME; BORRONE DERMATOCARDIOSKELETAL SYNDROME. Identifiers: Orphanet 1266, Orphanet 137834, MedGen C1855305, MONDO:0009579, OMIM 249420.

Allele frequency attached by ClinVar (database versions not stated): gnomAD exomes 0.00034 and 0.00085; ExAC 0.00103; 1000 Genomes Project 0.00200; 1000 Genomes Project 30x 0.00203; gnomAD 0.00320 and 0.00344; ESP Exome Variant Server 0.00369; TOPMed 0.00387.
gnomAD v4.1: 1,024 of 1,613,158 alleles (0.063%); highest among the groups gnomAD compares: African/African-American, 1.2%; 8 homozygotes.

Submissions (5):

Labcorp Genetics (formerly Invitae), Labcorp
Classification: Benign. Last evaluated: 2026-01-26. Review status: criteria provided, single submitter. Criteria: Invitae Variant Classification Sherloc (09022015). Collection method: clinical testing. Allele origin: germline.

Ambry Genetics
Classification: Likely benign for Inborn genetic diseases. Last evaluated: 2021-12-13. Review status: criteria provided, single submitter. Criteria: Ambry Variant Classification Scheme 2023. Collection method: clinical testing. Allele origin: germline.

GeneDx
Classification: Likely benign. Last evaluated: 2020-05-26. Review status: criteria provided, single submitter. Criteria: GeneDx Variant Classification Process June 2021. Collection method: clinical testing. Allele origin: germline. Affected: yes.

Illumina Laboratory Services, Illumina
Classification: Benign for Frank-Ter Haar syndrome. Last evaluated: 2018-01-12. Review status: criteria provided, single submitter. Criteria: ICSL Variant Classification Criteria 13 December 2019. Collection method: clinical testing. Allele origin: germline.
Comment: This variant was observed in the ICSL laboratory as part of a predisposition screen in an ostensibly healthy population. It had not been previously curated by ICSL or reported in the Human Gene Mutation Database (HGMD: prior to June 1st, 2018), and was therefore a candidate for classification through an automated scoring system. Utilizing variant allele frequency, disease prevalence and penetrance estimates, and inheritance mode, an automated score was calculated to assess if this variant is too frequent to cause the disease. Based on the score and internal cut-off values, a variant classified as benign is not then subjected to further curation. The score for this variant resulted in a classification of benign for this disease.

Breakthrough Genomics
Classification: Likely benign. Review status: criteria provided, single submitter. Criteria: ACMG Guidelines, 2015. Collection method: not provided. Allele origin: germline. Inheritance: Autosomal recessive inheritance. Affected: yes.